The following is an entry in ClinVar:

ClinVar aggregate classification (germline): Uncertain significance. Review status: criteria provided, multiple submitters, no conflicts (2 of 4 stars). 4 submissions from 4 submitters: Uncertain significance (4). Last evaluated 2025-07-31.

Conditions:
Muscle AMP deaminase deficiency (MMDD). Also called: Myoadenylate deaminase deficiency, myopathy due to; Adenosine monophosphate deaminase 1 deficiency; AMP deaminase 1 deficiency; Adenosine Monophosphate Deaminase 1; ADENOSINE MONOPHOSPHATE DEAMINASE-1 DEFICIENCY, MYOPATHY DUE TO; AMPD1 DEFICIENCY. Identifiers: Orphanet 45, MedGen C3714933, MONDO:0014220, OMIM 615511.
Inborn genetic diseases. Identifiers: MedGen C0950123, MeSH D030342.

Allele frequency attached by ClinVar (database versions not stated): gnomAD 0.00003 and 0.00004; TOPMed 0.00003; gnomAD exomes 0.00005 and 0.00006; ExAC 0.00008.

Submissions (4):

Ambry Genetics
Classification: Uncertain significance for Inborn genetic diseases. Last evaluated: 2025-07-31. Review status: criteria provided, single submitter. Criteria: Ambry Variant Classification Scheme 2023. Collection method: clinical testing. Allele origin: germline.

Labcorp Genetics (formerly Invitae), Labcorp
Classification: Uncertain significance for Muscle AMP deaminase deficiency. Last evaluated: 2024-10-17. Review status: criteria provided, single submitter. Criteria: Invitae Variant Classification Sherloc (09022015). Collection method: clinical testing. Allele origin: germline.
Comment: This sequence change replaces arginine, which is basic and polar, with tryptophan, which is neutral and slightly polar, at codon 295 of the AMPD1 protein (p.Arg295Trp). This variant is present in population databases (rs768332999, gnomAD 0.02%). This variant has not been reported in the literature in individuals affected with AMPD1-related conditions. ClinVar contains an entry for this variant (Variation ID: 1460631). Invitae Evidence Modeling of protein sequence and biophysical properties (such as structural, functional, and spatial information, amino acid conservation, physicochemical variation, residue mobility, and thermodynamic stability) indicates that this missense variant is expected to disrupt AMPD1 protein function with a positive predictive value of 80%. In summary, the available evidence is currently insufficient to determine the role of this variant in disease. Therefore, it has been classified as a Variant of Uncertain Significance.

Blueprint Genetics
Classification: Uncertain significance. Last evaluated: 2024-10-14. Review status: criteria provided, single submitter. Criteria: ACMG Guidelines, 2015. Collection method: clinical testing. Allele origin: germline.

Revvity Omics, Revvity
Classification: Uncertain significance for Muscle AMP deaminase deficiency. Last evaluated: 2019-04-16. Review status: criteria provided, single submitter. Criteria: ACMG Guidelines, 2015. Collection method: clinical testing. Allele origin: germline.

NM_000036.3(AMPD1):c.784C>T (p.Arg262Trp)

Gene: AMPD1 (adenosine monophosphate deaminase 1; minus strand). Cytogenetic location: 1p13.2.
Variant type: single nucleotide variant.
Coding change: c.784C>T on transcript NM_000036.3 (MANE Select); coding-DNA position 784, C replaced by T.
Protein change: p.Arg262Trp; replaces arginine 262 with tryptophan.
Molecular consequence: missense variant.
Genome position (GRCh38, 1-based): chr1:114,679,692, G>A on the plus strand (C>T on the coding strand, the complement: AMPD1 is on the minus strand). VCF-style: chr1-114679692-G-A. GRCh37 (hg19) VCF-style: chr1-115222313-G-A.
Other names: c.772C>T, p.Arg258Trp (NM_001172626.2); c.883C>T (NM_000036.2); short protein forms R258W, R262W.
Identifiers: ClinVar variation 1460631 (VCV001460631.12), dbSNP rs768332999, ClinGen allele CA1020304.